The following is an entry in ClinVar:

ClinVar aggregate classification (germline): Likely benign (0 of 4 stars; one submission).

Conditions:
PLXNA1-related disorder. Also called: PLXNA1-related condition.

gnomAD v4.1: 6 of 1,604,618 alleles (0.00037%); highest among the groups gnomAD compares: Admixed American, 0.0017%; no homozygotes.

Submission:

PreventionGenetics, part of Exact Sciences
Classification: Likely benign for PLXNA1-related condition. Last evaluated: 2024-02-07. Review status: no assertion criteria provided. Collection method: clinical testing. Allele origin: germline.
Comment: This variant is classified as likely benign based on ACMG/AMP sequence variant interpretation guidelines (Richards et al. 2015 PMID: 25741868, with internal and published modifications).

NM_032242.4(PLXNA1):c.1644G>A (p.Glu548=)

Gene: PLXNA1 (plexin A1; plus strand). Cytogenetic location: 3q21.3.
Variant type: single nucleotide variant.
Coding change: c.1644G>A on transcript NM_032242.4 (MANE Select); coding-DNA position 1644, G replaced by A.
Protein change: p.Glu548=; no amino-acid change (glutamic acid 548 retained).
Molecular consequence: synonymous variant.
Genome position (GRCh38, 1-based): chr3:127,004,909, G>A. VCF-style: chr3-127004909-G-A. GRCh37 (hg19) VCF-style: chr3-126723752-G-A.
Identifiers: ClinVar variation 3354425 (VCV003354425.1).